The following is an entry in ClinVar:

NM_000052.7(ATP7A):c.140dup (p.Asn47fs)

Gene: ATP7A (ATPase copper transporting alpha; plus strand). Cytogenetic location: Xq21.1.
Variant type: Duplication.
Coding change: c.140dup on transcript NM_000052.7 (MANE Select); coding-DNA position 140, one base duplicated (A; older notation c.140dupA).
Protein change: p.Asn47fs; shifts the reading frame from asparagine 47.
Molecular consequence: frameshift variant.
Genome position (GRCh38, 1-based): chrX:77,988,261, A duplicated; the last of 7 consecutive A bases (chrX:77,988,255-77,988,261); duplicating any one gives the same sequence. VCF-style (leftmost placement, unchanged base first): chrX-77988254-G-GA. GRCh37 (hg19) VCF-style: chrX-77243750-G-GA.
Other names: c.140dup, p.Asn47fs (NM_001282224.2); short protein forms N47fs.
Identifiers: ClinVar variation 1726167 (VCV001726167.3), dbSNP rs2149082525, ClinGen allele CA645618037.

ClinVar aggregate classification (germline): Likely pathogenic (1 of 4 stars; one submission).

Conditions:
Menkes kinky-hair syndrome (MNK). Also called: Copper transport disease; Classic Menkes Disease; Menkes Disease. Identifiers: Orphanet 565, MedGen C0022716, MONDO:0010651, OMIM 309400.

Submission:

Myriad Genetics, Inc.
Classification: Likely pathogenic for Menkes kinky-hair syndrome. Last evaluated: 2022-05-18. Review status: criteria provided, single submitter. Criteria: Myriad Autosomal Dominant, Autosomal Recessive and X-Linked Classification Criteria (2023). Collection method: clinical testing. Allele origin: unknown.
Comment: NM_000052.5(ATP7A):c.140dupA(N47Kfs*7) is expected to be pathogenic in the context of ATP7A-related disorders. This variant is predicted to lead to an abnormal or absent protein product due to the creation of a premature termination codon in ATP7A, a gene where loss-of-function variants are known to be pathogenic. Please note: this variant was assessed in the context of healthy population screening.